The following is an entry in ClinVar:

ClinVar aggregate classification (germline): Uncertain significance (1 of 4 stars; one submission).

Conditions:
Neuropathy, hereditary sensory, type 1F. Also called: HSN IF; Hereditary sensory neuropathy type IF. Identifiers: Orphanet 36386, MedGen C3810194, MONDO:0014286, OMIM 615632.

Submission:

Labcorp Genetics (formerly Invitae), Labcorp
Classification: Uncertain significance for Neuropathy, hereditary sensory, type 1F. Last evaluated: 2021-04-23. Review status: criteria provided, single submitter. Criteria: Invitae Variant Classification Sherloc (09022015). Collection method: clinical testing. Allele origin: germline.
Comment: In summary, the available evidence is currently insufficient to determine the role of this variant in disease. Therefore, it has been classified as a Variant of Uncertain Significance. Algorithms developed to predict the effect of missense changes on protein structure and function (SIFT, PolyPhen-2, Align-GVGD) all suggest that this variant is likely to be disruptive, but these predictions have not been confirmed by published functional studies and their clinical significance is uncertain. This variant has not been reported in the literature in individuals with ATL3-related conditions. This variant is not present in population databases (ExAC no frequency). This sequence change replaces leucine with proline at codon 395 of the ATL3 protein (p.Leu395Pro). The leucine residue is highly conserved and there is a moderate physicochemical difference between leucine and proline.

NM_015459.5(ATL3):c.1184T>C (p.Leu395Pro)

Genes: ATL3 (atlastin GTPase 3; minus strand), LNCROPM (lncRNA regulator of PLAAT3 mediated phospholipid metabolism; plus strand), LOC126861231 (CDK7 strongly-dependent group 2 enhancer GRCh37_chr11:63398741-63399940; plus strand). Cytogenetic location: 11q13.1.
Variant type: single nucleotide variant.
Coding change: c.1184T>C on transcript NM_015459.5 (MANE Select); coding-DNA position 1184, T replaced by C.
Protein change: p.Leu395Pro; replaces leucine 395 with proline.
Molecular consequence: missense variant.
Genome position (GRCh38, 1-based): chr11:63,631,395, A>G on the plus strand (T>C on the coding strand, the complement: ATL3 is on the minus strand). VCF-style: chr11-63631395-A-G. GRCh37 (hg19) VCF-style: chr11-63398867-A-G.
Other names: c.1130T>C, p.Leu377Pro (NM_001290048.2); short protein forms L395P, L377P.
Identifiers: ClinVar variation 1390288 (VCV001390288.8), dbSNP rs2134462337, ClinGen allele CA381025512.